The following is an entry in ClinVar:

NM_020169.4(LXN):c.143G>A (p.Arg48Lys)

Genes: GFM1 (G elongation factor mitochondrial 1; plus strand), LXN (latexin; minus strand). Cytogenetic location: 3q25.32.
Variant type: single nucleotide variant.
Coding change: c.143G>A on transcript NM_020169.4 (MANE Select); coding-DNA position 143, G replaced by A.
Protein change: p.Arg48Lys; replaces arginine 48 with lysine.
Molecular consequence: missense variant. On other transcripts: intron variant (10).
Genome position (GRCh38, 1-based): chr3:158,671,006, C>T on the plus strand (G>A on the coding strand, the complement: LXN is on the minus strand). VCF-style: chr3-158671006-C-T. GRCh37 (hg19) VCF-style: chr3-158388795-C-T.
Other names: c.1658+4620C>T (NM_001308164.2); c.1601+4620C>T (NM_024996.7, NM_001308166.2); c.1376+4620C>T (NM_001374357.1); c.1520+4620C>T (NM_001374355.1); c.1484+4620C>T (NM_001374356.1); c.1034+4620C>T (NM_001374359.1, NM_001374360.1); c.917+4620C>T (NM_001374361.1); c.1142+4620C>T (NM_001374358.1); short protein forms R48K.
Identifiers: ClinVar variation 771704 (VCV000771704.31), dbSNP rs115108034, ClinGen allele CA2682881.

ClinVar aggregate classification (germline): Benign/Likely benign. Review status: criteria provided, multiple submitters, no conflicts (2 of 4 stars). 3 submissions from 3 submitters: Benign (2); Likely benign (1). Last evaluated 2026-09-01.

Allele frequency attached by ClinVar (database versions not stated): gnomAD exomes 0.00631 and 0.00739; ExAC 0.00680; gnomAD 0.00697 and 0.00725; 1000 Genomes Project 0.00300; 1000 Genomes Project 30x 0.00312; ESP Exome Variant Server 0.00447; TOPMed 0.00499.
gnomAD v4.1: 9,698 of 1,531,514 alleles (0.63%); highest among the groups gnomAD compares: Non-Finnish European, 0.66%; 58 homozygotes.

Submissions (3):

CeGaT Center for Human Genetics Tuebingen
Classification: Likely benign. Last evaluated: 2026-09-01. Review status: criteria provided, single submitter. Criteria: CeGaT Center For Human Genetics Tuebingen Variant Classification Criteria Version 2. Collection method: clinical testing. Allele origin: germline. Affected: yes. Observed: 20 variant alleles.
Comment: LXN: BP4, BS2; GFM1: BS2

Labcorp Genetics (formerly Invitae), Labcorp
Classification: Benign. Last evaluated: 2018-06-29. Review status: criteria provided, single submitter. Criteria: Invitae Variant Classification Sherloc (09022015). Collection method: clinical testing. Allele origin: germline.

Breakthrough Genomics
Classification: Benign. Review status: criteria provided, single submitter. Criteria: ACMG Guidelines, 2015. Collection method: not provided. Allele origin: germline. Inheritance: Unknown mechanism. Affected: yes.